The following is an entry in ClinVar:

ClinVar aggregate classification (germline): Uncertain significance. Review status: criteria provided, multiple submitters, no conflicts (2 of 4 stars). 2 submissions from 2 submitters: Uncertain significance (2). Last evaluated 2026-07-01.

Submissions (2):

CeGaT Center for Human Genetics Tuebingen
Classification: Uncertain significance. Last evaluated: 2026-07-01. Review status: criteria provided, single submitter. Criteria: CeGaT Center For Human Genetics Tuebingen Variant Classification Criteria Version 2. Collection method: clinical testing. Allele origin: germline. Affected: yes. Observed: 2 variant alleles.

Labcorp Genetics (formerly Invitae), Labcorp
Classification: Uncertain significance. Last evaluated: 2024-02-23. Review status: criteria provided, single submitter. Criteria: Invitae Variant Classification Sherloc (09022015). Collection method: clinical testing. Allele origin: germline.
Comment: This sequence change replaces arginine, which is basic and polar, with cysteine, which is neutral and slightly polar, at codon 821 of the KCNQ5 protein (p.Arg821Cys). This variant is not present in population databases (gnomAD no frequency). This variant has not been reported in the literature in individuals affected with KCNQ5-related conditions. ClinVar contains an entry for this variant (Variation ID: 1490462). Advanced modeling of protein sequence and biophysical properties (such as structural, functional, and spatial information, amino acid conservation, physicochemical variation, residue mobility, and thermodynamic stability) performed at Invitae indicates that this missense variant is not expected to disrupt KCNQ5 protein function with a negative predictive value of 95%. In summary, the available evidence is currently insufficient to determine the role of this variant in disease. Therefore, it has been classified as a Variant of Uncertain Significance.

NM_019842.4(KCNQ5):c.2404C>T (p.Arg802Cys)

Gene: KCNQ5 (potassium voltage-gated channel subfamily Q member 5; plus strand). Cytogenetic location: 6q13.
Variant type: single nucleotide variant.
Coding change: c.2404C>T on transcript NM_019842.4 (MANE Select); coding-DNA position 2404, C replaced by T.
Protein change: p.Arg802Cys; replaces arginine 802 with cysteine.
Molecular consequence: missense variant.
Genome position (GRCh38, 1-based): chr6:73,195,019, C>T. VCF-style: chr6-73195019-C-T. GRCh37 (hg19) VCF-style: chr6-73904742-C-T.
Other names: c.2377C>T, p.Arg793Cys (NM_001160130.2); c.2434C>T, p.Arg812Cys (NM_001160132.2); c.2461C>T, p.Arg821Cys (NM_001160133.2); c.2074C>T, p.Arg692Cys (NM_001160134.2); short protein forms R692C, R793C, R821C, R802C, R812C.
Identifiers: ClinVar variation 1490462 (VCV001490462.14), dbSNP rs759996062, ClinGen allele CA364696236.